The following is an entry in ClinVar:

ClinVar aggregate classification (germline): Uncertain significance (1 of 4 stars; one submission).

Conditions:
DICER1-related tumor predisposition. Also called: DICER1-related pleuropulmonary blastoma cancer predisposition syndrome; DICER1 syndrome. Identifiers: Orphanet 284343, MedGen C3839822, MONDO:0100216.

gnomAD v4.1: 1 of 1,614,148 alleles (0.000062%); highest among the groups gnomAD compares: Non-Finnish European, 0.000085%; no homozygotes.

Submission:

Labcorp Genetics (formerly Invitae), Labcorp
Classification: Uncertain significance for DICER1-related tumor predisposition. Last evaluated: 2025-07-02. Review status: criteria provided, single submitter. Criteria: Invitae Variant Classification Sherloc (09022015). Collection method: clinical testing. Allele origin: germline.
Comment: This sequence change replaces asparagine, which is neutral and polar, with lysine, which is basic and polar, at codon 1305 of the DICER1 protein (p.Asn1305Lys). This variant is not present in population databases (gnomAD no frequency). This variant has not been reported in the literature in individuals affected with DICER1-related conditions. Invitae Evidence Modeling of protein sequence and biophysical properties (such as structural, functional, and spatial information, amino acid conservation, physicochemical variation, residue mobility, and thermodynamic stability) has been performed for this missense variant. However, the output from this modeling did not meet the statistical confidence thresholds required to predict the impact of this variant on DICER1 protein function. In summary, the available evidence is currently insufficient to determine the role of this variant in disease. Therefore, it has been classified as a Variant of Uncertain Significance.

NM_177438.3(DICER1):c.3915C>A (p.Asn1305Lys)

Gene: DICER1 (dicer 1, ribonuclease III; minus strand). Cytogenetic location: 14q32.13.
Variant type: single nucleotide variant.
Coding change: c.3915C>A on transcript NM_177438.3 (MANE Select); coding-DNA position 3915, C replaced by A.
Protein change: p.Asn1305Lys; replaces asparagine 1305 with lysine.
Molecular consequence: missense variant. On other transcripts: non-coding transcript variant (6).
Genome position (GRCh38, 1-based): chr14:95,103,481, G>T on the plus strand (C>A on the coding strand, the complement: DICER1 is on the minus strand). VCF-style: chr14-95103481-G-T. GRCh37 (hg19) VCF-style: chr14-95569818-G-T.
Other names: c.2232C>A, p.Asn744Lys (NM_001395697.1); c.3915C>A, p.Asn1305Lys (NM_030621.4, NM_001395692.1, NM_001395693.1 and 12 more transcripts); c.3348C>A, p.Asn1116Lys (NM_001395691.1); c.3510C>A, p.Asn1170Lys (NM_001395696.1, NM_001395687.1, NM_001395688.1 and 2 more transcripts); c.3633C>A, p.Asn1211Lys (NM_001395686.1); short protein forms N1116K, N1170K, N1211K, N1305K, N744K.
Identifiers: ClinVar variation 4746800 (VCV004746800.1).